The following is an entry in ClinVar:

ClinVar aggregate classification (germline): Uncertain significance (1 of 4 stars; one submission).

Submission:

Labcorp Genetics (formerly Invitae), Labcorp
Classification: Uncertain significance. Last evaluated: 2021-04-29. Review status: criteria provided, single submitter. Criteria: Invitae Variant Classification Sherloc (09022015). Collection method: clinical testing. Allele origin: germline.
Comment: This sequence change replaces asparagine with isoleucine at codon 2264 of the LRP2 protein (p.Asn2264Ile). The asparagine residue is weakly conserved and there is a large physicochemical difference between asparagine and isoleucine. In summary, the available evidence is currently insufficient to determine the role of this variant in disease. Therefore, it has been classified as a Variant of Uncertain Significance. Advanced modeling of protein sequence and biophysical properties (such as structural, functional, and spatial information, amino acid conservation, physicochemical variation, residue mobility, and thermodynamic stability) performed at Invitae indicates that this missense variant is not expected to disrupt LRP2 protein function. This variant has not been reported in the literature in individuals with LRP2-related conditions. This variant is not present in population databases (ExAC no frequency).

NM_004525.3(LRP2):c.6791A>T (p.Asn2264Ile)

Gene: LRP2 (LDL receptor related protein 2; minus strand). Cytogenetic location: 2q31.1.
Variant type: single nucleotide variant.
Coding change: c.6791A>T on transcript NM_004525.3 (MANE Select); coding-DNA position 6791, A replaced by T.
Protein change: p.Asn2264Ile; replaces asparagine 2264 with isoleucine.
Molecular consequence: missense variant.
Genome position (GRCh38, 1-based): chr2:169,206,929, T>A on the plus strand (A>T on the coding strand, the complement: LRP2 is on the minus strand). VCF-style: chr2-169206929-T-A. GRCh37 (hg19) VCF-style: chr2-170063439-T-A.
Other names: short protein forms N2264I.
Identifiers: ClinVar variation 1349902 (VCV001349902.8), dbSNP rs2105333651, ClinGen allele CA349172566.